The following is an entry in ClinVar:

NM_001199138.2(NLRC4):c.2665G>A (p.Gly889Ser)

Gene: NLRC4 (NLR family CARD domain containing 4; minus strand). Cytogenetic location: 2p22.3.
Variant type: single nucleotide variant.
Coding change: c.2665G>A on transcript NM_001199138.2 (MANE Select); coding-DNA position 2665, G replaced by A.
Protein change: p.Gly889Ser; replaces glycine 889 with serine.
Molecular consequence: missense variant.
Genome position (GRCh38, 1-based): chr2:32,235,518, C>T on the plus strand (G>A on the coding strand, the complement: NLRC4 is on the minus strand). VCF-style: chr2-32235518-C-T. GRCh37 (hg19) VCF-style: chr2-32460587-C-T.
Other names: c.2665G>A, p.Gly889Ser (NM_001199139.2, NM_021209.5); c.670G>A, p.Gly224Ser (NM_001302504.2); short protein forms G889S, G224S.
Identifiers: ClinVar variation 1416962 (VCV001416962.6), dbSNP rs2148933719, ClinGen allele CA346520808.

ClinVar aggregate classification (germline): Uncertain significance (1 of 4 stars; one submission).

Conditions:
Familial cold autoinflammatory syndrome 4 (FCAS4). Identifiers: Orphanet 47045, Orphanet 576349, MedGen C4015276, MONDO:0014498, OMIM 616115.
Periodic fever-infantile enterocolitis-autoinflammatory syndrome. Also called: Autoinflammation with infantile enterocolitis. Identifiers: Orphanet 436166, MedGen C4015067, MONDO:0014472, OMIM 616050.

Submission:

Labcorp Genetics (formerly Invitae), Labcorp
Classification: Uncertain significance for Periodic fever-infantile enterocolitis-autoinflammatory syndrome; Familial cold autoinflammatory syndrome 4. Last evaluated: 2021-10-22. Review status: criteria provided, single submitter. Criteria: Invitae Variant Classification Sherloc (09022015). Collection method: clinical testing. Allele origin: germline.
Comment: This sequence change replaces glycine with serine at codon 889 of the NLRC4 protein (p.Gly889Ser). The glycine residue is weakly conserved and there is a small physicochemical difference between glycine and serine. This variant is not present in population databases (ExAC no frequency). This variant has not been reported in the literature in individuals affected with NLRC4-related conditions. Algorithms developed to predict the effect of missense changes on protein structure and function (SIFT, PolyPhen-2, Align-GVGD) all suggest that this variant is likely to be tolerated. In summary, the available evidence is currently insufficient to determine the role of this variant in disease. Therefore, it has been classified as a Variant of Uncertain Significance.